The following is an entry in ClinVar:

ClinVar aggregate classification (germline): Uncertain significance (1 of 4 stars; one submission).

Conditions:
Cardiovascular phenotype. Identifiers: MedGen CN230736.

Allele frequency attached by ClinVar (database versions not stated): ExAC 0.00001; TOPMed 0.00001; gnomAD 0.00002; 1000 Genomes Project 30x 0.00016; 1000 Genomes Project 0.00020.
gnomAD v4.1: 7 of 1,613,566 alleles (0.00043%); highest among the groups gnomAD compares: African/African-American, 0.0093%; no homozygotes.

Submission:

Ambry Genetics
Classification: Uncertain significance for Cardiovascular phenotype. Last evaluated: 2024-01-03. Review status: criteria provided, single submitter. Criteria: Ambry Variant Classification Scheme 2023. Collection method: clinical testing. Allele origin: germline.
Comment: The p.K294E variant (also known as c.880A>G), located in coding exon 9 of the LDLRAP1 gene, results from an A to G substitution at nucleotide position 880. The lysine at codon 294 is replaced by glutamic acid, an amino acid with similar properties. This amino acid position is conserved. In addition, this alteration is predicted to be tolerated by in silico analysis. Since supporting evidence is limited at this time, the clinical significance of this alteration remains unclear.

NM_015627.3(LDLRAP1):c.880A>G (p.Lys294Glu)

Gene: LDLRAP1 (low density lipoprotein receptor adaptor protein 1; plus strand). Cytogenetic location: 1p36.11.
Variant type: single nucleotide variant.
Coding change: c.880A>G on transcript NM_015627.3 (MANE Select); coding-DNA position 880, A replaced by G.
Protein change: p.Lys294Glu; replaces lysine 294 with glutamic acid.
Molecular consequence: missense variant.
Genome position (GRCh38, 1-based): chr1:25,566,945, A>G. VCF-style: chr1-25566945-A-G. GRCh37 (hg19) VCF-style: chr1-25893436-A-G.
Other names: short protein forms K294E.
Identifiers: ClinVar variation 3226705 (VCV003226705.1), dbSNP rs547010345, ClinGen allele CA695779.
Genomic context (GRCh38, chr1:25,566,945, plus strand): 5'-ACTGGCCTGACAGCCCAGGACATGCATTACGCCCAGTGCCTCTCGCCTGTCGACTGGGAC[A>G]AGCCTGACAGCAGCGGCACAGAGCAGGATGACCTCTTCAGCTTCTGAGGGCCCGGGGCCA-3'
Protein context (NP_056442.2, residues 284-304): AQCLSPVDWD[Lys294Glu]PDSSGTEQDD